The following is an entry in ClinVar:

ClinVar aggregate classification (germline): Uncertain significance. Review status: criteria provided, multiple submitters, no conflicts (2 of 4 stars). 2 submissions from 2 submitters: Uncertain significance (2). Last evaluated 2023-11-27.

Conditions:
Inborn genetic diseases. Identifiers: MedGen C0950123, MeSH D030342.

Allele frequency attached by ClinVar (database versions not stated): gnomAD 0.00001 and 0.00002; ExAC 0.00002; gnomAD exomes 0.00002 and 0.00004; TOPMed 0.00005; 1000 Genomes Project 30x 0.00016; 1000 Genomes Project 0.00020.
gnomAD v4.1: 36 of 1,613,748 alleles (0.0022%); highest among the groups gnomAD compares: East Asian, 0.013%; no homozygotes.

Submissions (2):

Labcorp Genetics (formerly Invitae), Labcorp
Classification: Uncertain significance. Last evaluated: 2023-11-27. Review status: criteria provided, single submitter. Criteria: Invitae Variant Classification Sherloc (09022015). Collection method: clinical testing. Allele origin: germline.
Comment: This sequence change replaces glutamic acid, which is acidic and polar, with lysine, which is basic and polar, at codon 2740 of the HSPG2 protein (p.Glu2740Lys). This variant is present in population databases (rs545072429, gnomAD 0.03%). This variant has not been reported in the literature in individuals affected with HSPG2-related conditions. ClinVar contains an entry for this variant (Variation ID: 1513901). An algorithm developed to predict the effect of missense changes on protein structure and function (PolyPhen-2) suggests that this variant is likely to be disruptive. In summary, the available evidence is currently insufficient to determine the role of this variant in disease. Therefore, it has been classified as a Variant of Uncertain Significance.

Ambry Genetics
Classification: Uncertain significance for Inborn genetic diseases. Last evaluated: 2022-06-09. Review status: criteria provided, single submitter. Criteria: Ambry Variant Classification Scheme 2023. Collection method: clinical testing. Allele origin: germline.

NM_005529.7(HSPG2):c.8218G>A (p.Glu2740Lys)

Gene: HSPG2 (heparan sulfate proteoglycan 2; minus strand). Cytogenetic location: 1p36.12.
Variant type: single nucleotide variant.
Coding change: c.8218G>A on transcript NM_005529.7 (MANE Select); coding-DNA position 8218, G replaced by A.
Protein change: p.Glu2740Lys; replaces glutamic acid 2740 with lysine.
Molecular consequence: missense variant.
Genome position (GRCh38, 1-based): chr1:21,846,546, C>T on the plus strand (G>A on the coding strand, the complement: HSPG2 is on the minus strand). VCF-style: chr1-21846546-C-T. GRCh37 (hg19) VCF-style: chr1-22173039-C-T.
Other names: c.8221G>A, p.Glu2741Lys (NM_001291860.2); c.8218G>A (NM_005529.5); short protein forms E2740K, E2741K.
Identifiers: ClinVar variation 1513901 (VCV001513901.8), dbSNP rs545072429, ClinGen allele CA670867.